The following is an entry in ClinVar:

NM_002381.5(MATN3):c.187T>C (p.Ser63Pro)

Gene: MATN3 (matrilin 3; minus strand). Cytogenetic location: 2p24.1.
Variant type: single nucleotide variant.
Coding change: c.187T>C on transcript NM_002381.5 (MANE Select); coding-DNA position 187, T replaced by C.
Protein change: p.Ser63Pro; replaces serine 63 with proline.
Molecular consequence: missense variant.
Genome position (GRCh38, 1-based): chr2:20,012,445, A>G on the plus strand (T>C on the coding strand, the complement: MATN3 is on the minus strand). VCF-style: chr2-20012445-A-G. GRCh37 (hg19) VCF-style: chr2-20212206-A-G.
Other names: short protein forms S63P.
Identifiers: ClinVar variation 4765821 (VCV004765821.1).

ClinVar aggregate classification (germline): Uncertain significance (1 of 4 stars; one submission).

gnomAD v4.1: 7 of 1,229,326 alleles (0.00057%); highest among the groups gnomAD compares: South Asian, 0.029%; no homozygotes.

Submission:

Labcorp Genetics (formerly Invitae), Labcorp
Classification: Uncertain significance. Last evaluated: 2025-12-15. Review status: criteria provided, single submitter. Criteria: Invitae Variant Classification Sherloc (09022015). Collection method: clinical testing. Allele origin: germline.
Comment: This sequence change replaces serine, which is neutral and polar, with proline, which is neutral and non-polar, at codon 63 of the MATN3 protein (p.Ser63Pro). This variant is not present in population databases (gnomAD no frequency). This variant has not been reported in the literature in individuals affected with MATN3-related conditions. An algorithm developed to predict the effect of missense changes on protein structure and function (PolyPhen-2) suggests that this variant is likely to be tolerated. In summary, the available evidence is currently insufficient to determine the role of this variant in disease. Therefore, it has been classified as a Variant of Uncertain Significance.